The following is an entry in ClinVar:

ClinVar aggregate classification (germline): Uncertain significance (1 of 4 stars; one submission).

Allele frequency attached by ClinVar (database versions not stated): ExAC 0.00002; gnomAD exomes 0.00001; TOPMed below 0.00001.
gnomAD v4.1: 19 of 1,614,224 alleles (0.0012%); highest among the groups gnomAD compares: South Asian, 0.013%; 1 homozygote.

Submission:

Labcorp Genetics (formerly Invitae), Labcorp
Classification: Uncertain significance. Last evaluated: 2025-12-24. Review status: criteria provided, single submitter. Criteria: Invitae Variant Classification Sherloc (09022015). Collection method: clinical testing. Allele origin: germline.
Comment: This sequence change replaces threonine, which is neutral and polar, with alanine, which is neutral and non-polar, at codon 722 of the DHX32 protein (p.Thr722Ala). This variant is present in population databases (rs767417807, gnomAD 0.006%). This variant has not been reported in the literature in individuals affected with DHX32-related conditions. ClinVar contains an entry for this variant (Variation ID: 1948335). An algorithm developed to predict the effect of missense changes on protein structure and function outputs the following: PolyPhen-2: "Benign". The alanine amino acid residue is found in multiple mammalian species, which suggests that this missense change does not adversely affect protein function. In summary, the available evidence is currently insufficient to determine the role of this variant in disease. Therefore, it has been classified as a Variant of Uncertain Significance.

NM_018180.3(DHX32):c.2164A>G (p.Thr722Ala)

Genes: BCCIP (BRCA2 and CDKN1A interacting protein; plus strand), DHX32 (DEAH-box helicase 32 (putative); minus strand). Cytogenetic location: 10q26.2.
Variant type: single nucleotide variant.
Coding change: c.2164A>G on transcript NM_018180.3 (MANE Select); coding-DNA position 2164, A replaced by G.
Protein change: p.Thr722Ala; replaces threonine 722 with alanine.
Molecular consequence: missense variant. On other transcripts: intron variant (2).
Genome position (GRCh38, 1-based): chr10:125,836,755, T>C on the plus strand (A>G on the coding strand, the complement: DHX32 is on the minus strand). VCF-style: chr10-125836755-T-C. GRCh37 (hg19) VCF-style: chr10-127525324-T-C.
Other names: c.774+2809T>C (NM_016567.4, NM_078469.3); short protein forms T722A.
Identifiers: ClinVar variation 1948335 (VCV001948335.4), dbSNP rs767417807, ClinGen allele CA5738947.